The following is an entry in ClinVar:

NM_002381.5(MATN3):c.626G>A (p.Arg209Gln)

Gene: MATN3 (matrilin 3; minus strand). Cytogenetic location: 2p24.1.
Variant type: single nucleotide variant.
Coding change: c.626G>A on transcript NM_002381.5 (MANE Select); coding-DNA position 626, G replaced by A.
Protein change: p.Arg209Gln; replaces arginine 209 with glutamine.
Molecular consequence: missense variant.
Genome position (GRCh38, 1-based): chr2:20,005,908, C>T on the plus strand (G>A on the coding strand, the complement: MATN3 is on the minus strand). VCF-style: chr2-20005908-C-T. GRCh37 (hg19) VCF-style: chr2-20205669-C-T.
Other names: short protein forms R209Q.
Identifiers: ClinVar variation 1224469 (VCV001224469.7), dbSNP rs749845872, ClinGen allele CA1543938.

ClinVar aggregate classification (germline): Uncertain significance. Review status: criteria provided, multiple submitters, no conflicts (2 of 4 stars). 2 submissions from 2 submitters: Uncertain significance (2). Last evaluated 2025-11-15.

Allele frequency attached by ClinVar (database versions not stated): gnomAD exomes below 0.00001 and 0.00001; TOPMed below 0.00001; gnomAD 0.00001.
gnomAD v4.1: 15 of 1,609,802 alleles (0.00093%); highest among the groups gnomAD compares: South Asian, 0.0033%; no homozygotes.

Submissions (2):

Labcorp Genetics (formerly Invitae), Labcorp
Classification: Uncertain significance. Last evaluated: 2025-11-15. Review status: criteria provided, single submitter. Criteria: Invitae Variant Classification Sherloc (09022015). Collection method: clinical testing. Allele origin: germline.
Comment: This sequence change replaces arginine, which is basic and polar, with glutamine, which is neutral and polar, at codon 209 of the MATN3 protein (p.Arg209Gln). The frequency data for this variant in the population databases is considered unreliable, as metrics indicate poor data quality at this position in the gnomAD database. This variant has not been reported in the literature in individuals affected with MATN3-related conditions. ClinVar contains an entry for this variant (Variation ID: 1224469). Invitae Evidence Modeling of protein sequence and biophysical properties (such as structural, functional, and spatial information, amino acid conservation, physicochemical variation, residue mobility, and thermodynamic stability) indicates that this missense variant is not expected to disrupt MATN3 protein function with a negative predictive value of 80%. In summary, the available evidence is currently insufficient to determine the role of this variant in disease. Therefore, it has been classified as a Variant of Uncertain Significance.

Blueprint Genetics
Classification: Uncertain significance. Last evaluated: 2019-05-27. Review status: criteria provided, single submitter. Criteria: ACMG Guidelines, 2015. Collection method: clinical testing. Allele origin: germline.